The following is an entry in ClinVar:

ClinVar aggregate classification (germline): Likely benign (0 of 4 stars; one submission).

Conditions:
SPEF2-related disorder. Also called: SPEF2-related condition.

Allele frequency attached by ClinVar (database versions not stated): 1000 Genomes Project 30x 0.00016; 1000 Genomes Project 0.00020; gnomAD 0.00088; TOPMed 0.00113; ESP Exome Variant Server 0.00125.

Submissions (4):

PreventionGenetics, part of Exact Sciences
Classification: Likely benign for SPEF2-related condition. Last evaluated: 2022-02-01. Review status: no assertion criteria provided. Collection method: clinical testing. Allele origin: germline.
Comment: This variant is classified as likely benign based on ACMG/AMP sequence variant interpretation guidelines (Richards et al. 2015 PMID: 25741868, with internal and published modifications).

Dr. Peter K. Rogan Lab, Western University
No classification provided (evidence only). Condition: Familial cancer of breast. Review status: no classification provided. Collection method: in vitro. Allele origin: not applicable. Functional consequence: retained intron. Not counted in ClinVar's aggregate classification.

Dr. Peter K. Rogan Lab, Western University
No classification provided (evidence only). Condition: Malignant tumor of esophagus. Review status: no classification provided. Collection method: in vitro. Allele origin: not applicable. Functional consequence: retained intron. Not counted in ClinVar's aggregate classification.

Dr. Peter K. Rogan Lab, Western University
No classification provided (evidence only). Condition: Lymphoma. Review status: no classification provided. Collection method: in vitro. Allele origin: not applicable. Functional consequence: retained intron. Not counted in ClinVar's aggregate classification.

NM_024867.4(SPEF2):c.3799A>T (p.Met1267Leu)

Gene: SPEF2 (sperm flagellar and cilia associated 2; plus strand). Cytogenetic location: 5p13.2.
Variant type: single nucleotide variant.
Coding change: c.3799A>T on transcript NM_024867.4 (MANE Select); coding-DNA position 3799, A replaced by T.
Protein change: p.Met1267Leu; replaces methionine 1267 with leucine.
Molecular consequence: missense variant.
Genome position (GRCh38, 1-based): chr5:35,763,700, A>T. VCF-style: chr5-35763700-A-T. GRCh37 (hg19) VCF-style: chr5-35763802-A-T.
Other names: NC_000005.9:g.35763802A>T; short protein forms M1267L.
Identifiers: ClinVar variation 3055617 (VCV003055617.3), dbSNP rs200721416, ClinGen allele CA3231195.
Genomic context (GRCh38, chr5:35,763,700, plus strand): 5'-GAGGCCGATGAAAAGTTGGTCATGGACACCTGGCAGCAGGCTTCTTTAGCAGTATCTCAC[A>T]TGGTAAGCAGTGCTCGTTATATTTTCTGTTAGTAATACACATTCATTAAGTACCAAGGTT-3'
Protein context (NP_079143.3, residues 1257-1277): WQQASLAVSH[Met1267Leu]VAAEIHQRLM